The following is an entry in ClinVar:

NM_012418.4(FSCN2):c.467C>T (p.Pro156Leu)

Gene: FSCN2 (fascin actin-bundling protein 2, retinal; plus strand). Cytogenetic location: 17q25.3.
Variant type: single nucleotide variant.
Coding change: c.467C>T on transcript NM_012418.4 (MANE Select); coding-DNA position 467, C replaced by T.
Protein change: p.Pro156Leu; replaces proline 156 with leucine.
Molecular consequence: missense variant.
Genome position (GRCh38, 1-based): chr17:81,528,998, C>T. VCF-style: chr17-81528998-C-T. GRCh37 (hg19) VCF-style: chr17-79496024-C-T.
Other names: c.467C>T, p.Pro156Leu (NM_001077182.3); short protein forms P156L.
Identifiers: ClinVar variation 844370 (VCV000844370.8), dbSNP rs200503363, ClinGen allele CA8836688.

ClinVar aggregate classification (germline): Uncertain significance (1 of 4 stars; one submission).

Allele frequency attached by ClinVar (database versions not stated): ESP Exome Variant Server 0.00008; gnomAD 0.00013; gnomAD exomes 0.00013; TOPMed 0.00015; 1000 Genomes Project 30x 0.00031; ExAC 0.00031; 1000 Genomes Project 0.00040.
gnomAD v4.1: 262 of 1,582,030 alleles (0.017%); highest among the groups gnomAD compares: Admixed American, 0.023%; 1 homozygote.

Submission:

Labcorp Genetics (formerly Invitae), Labcorp
Classification: Uncertain significance. Last evaluated: 2025-12-04. Review status: criteria provided, single submitter. Criteria: Invitae Variant Classification Sherloc (09022015). Collection method: clinical testing. Allele origin: germline.
Comment: This sequence change replaces proline, which is neutral and non-polar, with leucine, which is neutral and non-polar, at codon 156 of the FSCN2 protein (p.Pro156Leu). This variant is present in population databases (rs200503363, gnomAD 0.02%). This missense change has been observed in individual(s) with progressive pigmentary retinopathy (PMID: 25097241). ClinVar contains an entry for this variant (Variation ID: 844370). An algorithm developed to predict the effect of missense changes on protein structure and function outputs the following: PolyPhen-2: "Benign". The leucine amino acid residue is found in multiple mammalian species, which suggests that this missense change does not adversely affect protein function. In summary, the available evidence is currently insufficient to determine the role of this variant in disease. Therefore, it has been classified as a Variant of Uncertain Significance.

Literature cited by the submitters: PubMed 25097241.